The following is an entry in ClinVar:

ClinVar aggregate classification (germline): Uncertain significance (1 of 4 stars; one submission).

gnomAD v4.1: 6 of 1,614,090 alleles (0.00037%); highest among the groups gnomAD compares: African/African-American, 0.0013%; no homozygotes.

Submission:

Labcorp Genetics (formerly Invitae), Labcorp
Classification: Uncertain significance. Last evaluated: 2025-09-29. Review status: criteria provided, single submitter. Criteria: Invitae Variant Classification Sherloc (09022015). Collection method: clinical testing. Allele origin: germline.
Comment: This sequence change replaces arginine, which is basic and polar, with glutamine, which is neutral and polar, at codon 117 of the PAX5 protein (p.Arg117Gln). This variant is not present in population databases (gnomAD no frequency). This variant has not been reported in the literature in individuals affected with PAX5-related conditions. Invitae Evidence Modeling of protein sequence and biophysical properties (such as structural, functional, and spatial information, amino acid conservation, physicochemical variation, residue mobility, and thermodynamic stability) has been performed for this missense variant. However, the output from this modeling did not meet the statistical confidence thresholds required to predict the impact of this variant on PAX5 protein function. In summary, the available evidence is currently insufficient to determine the role of this variant in disease. Therefore, it has been classified as a Variant of Uncertain Significance.

NM_016734.3(PAX5):c.350G>A (p.Arg117Gln)

Gene: PAX5 (paired box 5; minus strand). Cytogenetic location: 9p13.2.
Variant type: single nucleotide variant.
Coding change: c.350G>A on transcript NM_016734.3 (MANE Select); coding-DNA position 350, G replaced by A.
Protein change: p.Arg117Gln; replaces arginine 117 with glutamine.
Molecular consequence: missense variant. On other transcripts: intron variant (1), non-coding transcript variant (2).
Genome position (GRCh38, 1-based): chr9:37,015,057, C>T on the plus strand (G>A on the coding strand, the complement: PAX5 is on the minus strand). VCF-style: chr9-37015057-C-T. GRCh37 (hg19) VCF-style: chr9-37015054-C-T.
Other names: c.350G>A, p.Arg117Gln (NM_001280547.2, NM_001280548.2, NM_001280549.2 and 4 more transcripts); c.212+5579G>A (NM_001280555.2); c.26G>A, p.Arg9Gln (NM_001280551.2, NM_001280556.2); short protein forms R117Q, R9Q.
Identifiers: ClinVar variation 4774570 (VCV004774570.1).